The following is an entry in ClinVar:

NM_203447.4(DOCK8):c.49A>T (p.Asn17Tyr)

Genes: DOCK8-AS1 (DOCK8 antisense RNA 1; minus strand), DOCK8 (dedicator of cytokinesis 8; plus strand), LOC130001437 (ATAC-STARR-seq lymphoblastoid silent region 19722; plus strand). Cytogenetic location: 9p24.3.
Variant type: single nucleotide variant.
Coding change: c.49A>T on transcript NM_203447.4 (MANE Select); coding-DNA position 49, A replaced by T.
Protein change: p.Asn17Tyr; replaces asparagine 17 with tyrosine.
Molecular consequence: missense variant. On other transcripts: non-coding transcript variant (1).
Genome position (GRCh38, 1-based): chr9:215,025, A>T. VCF-style: chr9-215025-A-T. GRCh37 (hg19) VCF-style: chr9-215025-A-T.
Other names: short protein forms N17Y.
Identifiers: ClinVar variation 854557 (VCV000854557.10), dbSNP rs776889811, ClinGen allele CA4956917.

ClinVar aggregate classification (germline): Uncertain significance (1 of 4 stars; one submission).

Conditions:
Combined immunodeficiency due to DOCK8 deficiency (HIES2). Also called: HYPER-IgE RECURRENT INFECTION SYNDROME 2, AUTOSOMAL RECESSIVE; HYPER-IgE SYNDROME 2, AUTOSOMAL RECESSIVE, WITH RECURRENT INFECTIONS; HIES autosomal recessive; DOCK8 Deficiency; Hyper-IgE recurrent infection syndrome, autosomal recessive. Identifiers: Orphanet 217390, MedGen C4722305, MONDO:0009478, OMIM 243700.

Allele frequency attached by ClinVar (database versions not stated): gnomAD below 0.00001 and 0.00001; ExAC 0.00001; gnomAD exomes 0.00001.
gnomAD v4.1: 10 of 1,585,948 alleles (0.00063%); highest among the groups gnomAD compares: South Asian, 0.01%; no homozygotes.

Submission:

Labcorp Genetics (formerly Invitae), Labcorp
Classification: Uncertain significance for Combined immunodeficiency due to DOCK8 deficiency. Last evaluated: 2019-04-02. Review status: criteria provided, single submitter. Criteria: Invitae Variant Classification Sherloc (09022015). Collection method: clinical testing. Allele origin: germline.
Comment: In summary, the available evidence is currently insufficient to determine the role of this variant in disease. Therefore, it has been classified as a Variant of Uncertain Significance. Algorithms developed to predict the effect of missense changes on protein structure and function are either unavailable or do not agree on the potential impact of this missense change (SIFT: "Deleterious"; PolyPhen-2: "Benign"; Align-GVGD: "Class C0"). This variant has not been reported in the literature in individuals with DOCK8-related conditions. The frequency data for this variant in the population databases is considered unreliable, as metrics indicate poor data quality at this position in the ExAC database. This sequence change replaces asparagine with tyrosine at codon 17 of the DOCK8 protein (p.Asn17Tyr). The asparagine residue is weakly conserved and there is a large physicochemical difference between asparagine and tyrosine.